The following is an entry in ClinVar:

NM_001354712.2(THRB):c.1076C>T (p.Ser359Phe)

Gene: THRB (thyroid hormone receptor beta; minus strand). Cytogenetic location: 3p24.2.
Variant type: single nucleotide variant.
Coding change: c.1076C>T on transcript NM_001354712.2 (MANE Select); coding-DNA position 1076, C replaced by T.
Protein change: p.Ser359Phe; replaces serine 359 with phenylalanine.
Molecular consequence: missense variant.
Genome position (GRCh38, 1-based): chr3:24,127,567, G>A on the plus strand (C>T on the coding strand, the complement: THRB is on the minus strand). VCF-style: chr3-24127567-G-A. GRCh37 (hg19) VCF-style: chr3-24169058-G-A.
Other names: c.1076C>T, p.Ser359Phe (NM_000461.5, NM_001128176.3, NM_001128177.2 and 6 more transcripts); c.983C>T, p.Ser328Phe (NM_001354714.2, NM_001354715.2); short protein forms S359F, S328F.
Identifiers: ClinVar variation 453048 (VCV000453048.2), dbSNP rs1553610936, ClinGen allele CA351888619.
Genomic context (GRCh38, chr3:24,127,567, plus strand): 5'-ATCAGCAGGACGGCCTGAAGGAGGGCTACTTCAGTGTCATCCAGGTTGAAAGAAGACAGA[G>A]ACATGCCCAGGTCAAAGATGGCGTCTGACACCACCCCAAGACCCCCATTTTTCAGCTGGC-3'
Protein context (NP_001341641.1, residues 349-369): VSDAIFDLGM[Ser359Phe]LSSFNLDDTE

ClinVar aggregate classification (germline): Uncertain significance (1 of 4 stars; one submission).

Submission:

GeneDx
Classification: Uncertain significance. Last evaluated: 2017-10-26. Review status: criteria provided, single submitter. Criteria: GeneDx Variant Classification (06012015). Collection method: clinical testing. Allele origin: germline. Affected: yes.
Comment: The S359F variant in the THRB gene has not been reported previously as a pathogenic variant, nor as a benign variant, to our knowledge. The S359F variant is not observed in large population cohorts (Lek et al., 2016). The S359F variant is a non-conservative amino acid substitution, which is likely to impact secondary protein structure as these residues differ in polarity, charge, size and/or other properties. This substitution occurs at a position that is conserved across species. In silico analysis predicts this variant is probably damaging to the protein structure/function. We interpret S359F as a variant of uncertain significance.